The following is an entry in ClinVar:

ClinVar aggregate classification (germline): Uncertain significance (1 of 4 stars; one submission).

Allele frequency attached by ClinVar (database versions not stated): TOPMed 0.00002.
gnomAD v4.1: 11 of 1,613,176 alleles (0.00068%); highest among the groups gnomAD compares: Admixed American, 0.013%; no homozygotes.

Submission:

Labcorp Genetics (formerly Invitae), Labcorp
Classification: Uncertain significance. Last evaluated: 2024-01-15. Review status: criteria provided, single submitter. Criteria: Invitae Variant Classification Sherloc (09022015). Collection method: clinical testing. Allele origin: germline.
Comment: This sequence change replaces leucine, which is neutral and non-polar, with phenylalanine, which is neutral and non-polar, at codon 364 of the ARHGEF10 protein (p.Leu364Phe). This variant is present in population databases (rs767997870, gnomAD 0.03%). This variant has not been reported in the literature in individuals affected with ARHGEF10-related conditions. ClinVar contains an entry for this variant (Variation ID: 1399949). Algorithms developed to predict the effect of missense changes on protein structure and function output the following: SIFT: "Not Available"; PolyPhen-2: "Benign"; Align-GVGD: "Not Available". The phenylalanine amino acid residue is found in multiple mammalian species, which suggests that this missense change does not adversely affect protein function. In summary, the available evidence is currently insufficient to determine the role of this variant in disease. Therefore, it has been classified as a Variant of Uncertain Significance.

NM_014629.4(ARHGEF10):c.1090C>T (p.Leu364Phe)

Gene: ARHGEF10 (Rho guanine nucleotide exchange factor 10; plus strand). Cytogenetic location: 8p23.3.
Variant type: single nucleotide variant.
Coding change: c.1090C>T on transcript NM_014629.4 (MANE Select); coding-DNA position 1090, C replaced by T.
Protein change: p.Leu364Phe; replaces leucine 364 with phenylalanine.
Molecular consequence: missense variant.
Genome position (GRCh38, 1-based): chr8:1,885,615, C>T. VCF-style: chr8-1885615-C-T. GRCh37 (hg19) VCF-style: chr8-1833781-C-T.
Other names: c.976C>T, p.Leu326Phe (NM_001308152.2); c.1093C>T, p.Leu365Phe (NM_001308153.3); short protein forms L364F, L389F, L326F, L365F.
Identifiers: ClinVar variation 1399949 (VCV001399949.9), dbSNP rs767997870, ClinGen allele CA4600211.